The following is an entry in ClinVar:

NC_000005.10:g.112707401C>T

Gene: APC (APC regulator of Wnt signaling pathway; plus strand). Cytogenetic location: 5q22.2.
Variant type: single nucleotide variant.
Genome position: GRCh38 VCF-style: chr5-112707401-C-T. GRCh37 (hg19) VCF-style: chr5-112043098-C-T.
Identifiers: ClinVar variation 4805902 (VCV004805902.1).
Genomic context (GRCh38, chr5:112,707,401, plus strand): 5'-GTGCTGCAACTGAGACTCGGCTGCCTAGGCAGCAATGGCTCACGGGACAGAACAGCGAAG[C>T]AGTGCCCGGCAAGCGGAGCGCAGCACCCATTGCGCCTGCGCATAACAGGCTCTAGTCTCC-3'

ClinVar aggregate classification (germline): Uncertain significance (1 of 4 stars; one submission).

Conditions:
Familial adenomatous polyposis 1 (FAP1). Also called: FAMILIAL ADENOMATOUS POLYPOSIS 1, ATTENUATED; POLYPOSIS, ADENOMATOUS INTESTINAL. Identifiers: MedGen C2713442, MONDO:0021056, OMIM 175100. Disease mechanism: loss of function.

Submission:

Labcorp Genetics (formerly Invitae), Labcorp
Classification: Uncertain significance for Familial adenomatous polyposis 1. Last evaluated: 2025-03-11. Review status: criteria provided, single submitter. Criteria: Invitae Variant Classification Sherloc (09022015). Collection method: clinical testing. Allele origin: germline.
Comment: This variant occurs in a non-coding region of the APC gene. It does not change the encoded amino acid sequence of the APC protein. This variant is not present in population databases (gnomAD no frequency). This variant has not been reported in the literature in individuals affected with APC-related conditions. Experimental studies and prediction algorithms are not available or were not evaluated, and the functional significance of this variant is currently unknown. In summary, the available evidence is currently insufficient to determine the role of this variant in disease. Therefore, it has been classified as a Variant of Uncertain Significance.